The following is an entry in ClinVar:

NM_017757.3(ZNF407):c.5711A>T (p.His1904Leu)

Gene: ZNF407 (zinc finger protein 407; plus strand). Cytogenetic location: 18q22.3.
Variant type: single nucleotide variant.
Coding change: c.5711A>T on transcript NM_017757.3 (MANE Select); coding-DNA position 5711, A replaced by T.
Protein change: p.His1904Leu; replaces histidine 1904 with leucine.
Molecular consequence: missense variant.
Genome position (GRCh38, 1-based): chr18:75,063,432, A>T. VCF-style: chr18-75063432-A-T. GRCh37 (hg19) VCF-style: chr18-72775388-A-T.
Other names: c.5711A>T, p.His1904Leu (NM_001384475.1); short protein forms H1904L.
Identifiers: ClinVar variation 3378391 (VCV003378391.2).

ClinVar aggregate classification (germline): Uncertain significance. Review status: criteria provided, multiple submitters, no conflicts (2 of 4 stars). 2 submissions from 2 submitters: Uncertain significance (2). Last evaluated 2025-08-25.

Submissions (2):

Ambry Genetics
Classification: Uncertain significance. Last evaluated: 2025-08-25. Review status: criteria provided, single submitter. Criteria: Ambry Variant Classification Scheme 2023. Collection method: clinical testing. Allele origin: germline.

GeneDx
Classification: Uncertain significance. Last evaluated: 2024-05-14. Review status: criteria provided, single submitter. Criteria: GeneDx Variant Classification Process June 2021. Collection method: clinical testing. Allele origin: germline. Affected: yes.
Comment: Not observed at significant frequency in large population cohorts (gnomAD); In silico analysis supports that this missense variant has a deleterious effect on protein structure/function; Has not been previously published as pathogenic or benign to our knowledge